The following is an entry in ClinVar:

NM_000463.3(UGT1A1):c.1325G>A (p.Arg442His)

Genes: UGT1A1 (UDP glucuronosyltransferase family 1 member A1; plus strand), UGT1A (UDP glucuronosyltransferase family 1 member A complex locus; plus strand), UGT1A10 (UDP glucuronosyltransferase family 1 member A10; plus strand), UGT1A3 (UDP glucuronosyltransferase family 1 member A3; plus strand), UGT1A4 (UDP glucuronosyltransferase family 1 member A4; plus strand) and 5 more. Cytogenetic location: 2q37.1.
Variant type: single nucleotide variant.
Coding change: c.1325G>A on transcript NM_000463.3 (MANE Select); coding-DNA position 1325, G replaced by A.
Protein change: p.Arg442His; replaces arginine 442 with histidine.
Molecular consequence: missense variant.
Genome position (GRCh38, 1-based): chr2:233,772,282, G>A. VCF-style: chr2-233772282-G-A. GRCh37 (hg19) VCF-style: chr2-234680928-G-A.
Other names: c.1316G>A, p.Arg439His (NM_019075.4, NM_019076.5, NM_019077.3 and 1 more transcripts); c.1322G>A, p.Arg441His (NM_001072.4); c.521G>A, p.Arg174His (NM_205862.3); c.1328G>A, p.Arg443His (NM_019078.2, NM_007120.3, NM_019093.4); short protein forms R439H, R443H, R174H, R441H, R442H.
Identifiers: ClinVar variation 4750796 (VCV004750796.1).

ClinVar aggregate classification (germline): Uncertain significance (1 of 4 stars; one submission).

gnomAD v4.1: 13 of 1,614,078 alleles (0.00081%); highest among the groups gnomAD compares: Middle Eastern, 0.016%; no homozygotes.

Submission:

Labcorp Genetics (formerly Invitae), Labcorp
Classification: Uncertain significance. Last evaluated: 2025-07-25. Review status: criteria provided, single submitter. Criteria: Invitae Variant Classification Sherloc (09022015). Collection method: clinical testing. Allele origin: germline.
Comment: This sequence change replaces arginine, which is basic and polar, with histidine, which is basic and polar, at codon 442 of the UGT1A1 protein (p.Arg442His). This variant is present in population databases (rs748166510, gnomAD 0.005%). This variant has not been reported in the literature in individuals affected with UGT1A1-related conditions. Invitae Evidence Modeling of protein sequence and biophysical properties (such as structural, functional, and spatial information, amino acid conservation, physicochemical variation, residue mobility, and thermodynamic stability) indicates that this missense variant is not expected to disrupt UGT1A1 protein function with a negative predictive value of 80%. In summary, the available evidence is currently insufficient to determine the role of this variant in disease. Therefore, it has been classified as a Variant of Uncertain Significance.